The following is an entry in ClinVar:

ClinVar aggregate classification (germline): Conflicting classifications of pathogenicity. Review status: criteria provided, conflicting classifications (1 of 4 stars). 4 submissions from 4 submitters: Uncertain significance (1); Likely benign (2). 1 of the submissions does not count toward it. Last evaluated 2024-05-06.

Conditions:
LRP5-related disorder. Also called: LRP5-related condition.

Allele frequency attached by ClinVar (database versions not stated): gnomAD exomes 0.00001; ExAC 0.00002; gnomAD 0.00002 and 0.00003; TOPMed 0.00003.
gnomAD v4.1: 43 of 1,612,948 alleles (0.0027%); highest among the groups gnomAD compares: Middle Eastern, 0.39%; no homozygotes.

Submissions (4):

Blueprint Genetics
Classification: Likely benign. Last evaluated: 2024-05-06. Review status: criteria provided, single submitter. Criteria: ACMG Guidelines, 2015. Collection method: clinical testing. Allele origin: germline.

Labcorp Genetics (formerly Invitae), Labcorp
Classification: Likely benign. Last evaluated: 2024-04-15. Review status: criteria provided, single submitter. Criteria: Invitae Variant Classification Sherloc (09022015). Collection method: clinical testing. Allele origin: germline.

Eurofins Ntd Llc (ga)
Classification: Uncertain significance. Last evaluated: 2017-04-18. Review status: criteria provided, single submitter. Criteria: EGL Classification Definitions 2015. Collection method: clinical testing. Allele origin: germline. Observed: 2 variant alleles, 2 heterozygotes.

PreventionGenetics, part of Exact Sciences
Classification: Likely benign for LRP5-related condition. Last evaluated: 2021-10-24. Review status: no assertion criteria provided. Collection method: clinical testing. Allele origin: germline. Not counted in ClinVar's aggregate classification.
Comment: This variant is classified as likely benign based on ACMG/AMP sequence variant interpretation guidelines (Richards et al. 2015 PMID: 25741868, with internal and published modifications).

NM_002335.4(LRP5):c.738C>T (p.Ser246=)

Gene: LRP5 (LDL receptor related protein 5; plus strand). Cytogenetic location: 11q13.2.
Variant type: single nucleotide variant.
Coding change: c.738C>T on transcript NM_002335.4 (MANE Select); coding-DNA position 738, C replaced by T.
Protein change: p.Ser246=; no amino-acid change (serine 246 retained).
Molecular consequence: synonymous variant. On other transcripts: 5 prime UTR variant (1).
Genome position (GRCh38, 1-based): chr11:68,363,798, C>T. VCF-style: chr11-68363798-C-T. GRCh37 (hg19) VCF-style: chr11-68131266-C-T.
Other names: c.-1028C>T (NM_001291902.2); c.738C>T (NM_002335.3).
Identifiers: ClinVar variation 284331 (VCV000284331.15), dbSNP rs768638466, ClinGen allele CA6149098.